The following is an entry in ClinVar:

NM_004977.3(KCNC3):c.2171-8A>C

Gene: KCNC3 (potassium voltage-gated channel subfamily C member 3; minus strand). Cytogenetic location: 19q13.33.
Variant type: single nucleotide variant.
Coding change: c.2171-8A>C on transcript NM_004977.3 (MANE Select); 8 bases into the intron before coding-DNA position 2171, A replaced by C.
Molecular consequence: intron variant.
Genome position (GRCh38, 1-based): chr19:50,320,357, T>G on the plus strand (A>C on the coding strand, the complement: KCNC3 is on the minus strand). VCF-style: chr19-50320357-T-G. GRCh37 (hg19) VCF-style: chr19-50823614-T-G.
Other names: c.1943-8A>C (NM_001372305.1).
Identifiers: ClinVar variation 1684109 (VCV001684109.30), dbSNP rs775357041, ClinGen allele CA9594070.

ClinVar aggregate classification (germline): Likely benign. Review status: criteria provided, multiple submitters, no conflicts (2 of 4 stars). 2 submissions from 2 submitters: Likely benign (2). Last evaluated 2024-10-01.

Allele frequency attached by ClinVar (database versions not stated): gnomAD exomes 0.00637; ExAC 0.39474.

Submissions (2):

CeGaT Center for Human Genetics Tuebingen
Classification: Likely benign. Last evaluated: 2024-10-01. Review status: criteria provided, single submitter. Criteria: CeGaT Center For Human Genetics Tuebingen Variant Classification Criteria Version 2. Collection method: clinical testing. Allele origin: germline. Affected: yes. Observed: 19 variant alleles.
Comment: KCNC3: BP4, BS1

GeneDx
Classification: Likely benign. Last evaluated: 2021-11-12. Review status: criteria provided, single submitter. Criteria: GeneDx Variant Classification Process June 2021. Collection method: clinical testing. Allele origin: germline. Affected: yes.
Comment: See Variant Classification Assertion Criteria.